The following is an entry in ClinVar:

NM_000540.3(RYR1):c.1311C>T (p.Ile437=)

Gene: RYR1 (ryanodine receptor 1; plus strand). Cytogenetic location: 19q13.2.
Variant type: single nucleotide variant.
Coding change: c.1311C>T on transcript NM_000540.3 (MANE Select); coding-DNA position 1311, C replaced by T.
Protein change: p.Ile437=; no amino-acid change (isoleucine 437 retained).
Molecular consequence: synonymous variant.
Genome position (GRCh38, 1-based): chr19:38,452,885, C>T. VCF-style: chr19-38452885-C-T. GRCh37 (hg19) VCF-style: chr19-38943525-C-T.
Other names: c.1311C>T, p.Ile437= (NM_001042723.2).
Identifiers: ClinVar variation 390441 (VCV000390441.38), dbSNP rs777029846, ClinGen allele CA059588.
Genomic context (GRCh38, chr19:38,452,885, plus strand): 5'-GGACAGCTTCAGCGGGAAGCCACGGGGCTCGGGGCCACCCGCTGGCACGGCGCTGCCCAT[C>T]GAGGGCGTTATCCTGAGCCTGCAGGACCTCATCATCTACTTCGAGCCTCCCTCCGAGGAC-3'
Protein context (NP_000531.2, residues 427-447): SGPPAGTALP[Ile437=]EGVILSLQDL

ClinVar aggregate classification (germline): Likely benign. Review status: criteria provided, multiple submitters, no conflicts (2 of 4 stars). 5 submissions from 5 submitters: Likely benign (5). Last evaluated 2025-07-19.

Conditions:
RYR1-related disorder. Also called: RYR1-related condition; RYR1-related disorders. Identifiers: MedGen CN239331.
Malignant hyperthermia, susceptibility to, 1 (MHS1). Also called: Malignant hyperthermia suceptibility 1; Anesthesia related hyperthermia; Malignant hyperpyrexia; Fulminating hyperpyrexia; Pharmacogenic myopathy; RYR1-Related Malignant Hyperthermia Susceptibility. Identifiers: Orphanet 423, MedGen C2930980, MONDO:0007783, OMIM 145600.

Allele frequency attached by ClinVar (database versions not stated): TOPMed 0.00002.
gnomAD v4.1: 33 of 1,611,974 alleles (0.002%); highest among the groups gnomAD compares: Middle Eastern, 0.049%; no homozygotes.

Submissions (5):

Labcorp Genetics (formerly Invitae), Labcorp
Classification: Likely benign for RYR1-related disorder. Last evaluated: 2025-07-19. Review status: criteria provided, single submitter. Criteria: Invitae Variant Classification Sherloc (09022015). Collection method: clinical testing. Allele origin: germline.

CeGaT Center for Human Genetics Tuebingen
Classification: Likely benign. Last evaluated: 2023-03-01. Review status: criteria provided, single submitter. Criteria: CeGaT Center For Human Genetics Tuebingen Variant Classification Criteria Version 2. Collection method: clinical testing. Allele origin: germline. Affected: yes. Observed: 2 variant alleles.
Comment: RYR1: BP7

Color Diagnostics, LLC DBA Color Health
Classification: Likely benign for Malignant hyperthermia, susceptibility to, 1. Last evaluated: 2022-11-06. Review status: criteria provided, single submitter. Criteria: ACMG Guidelines, 2015. Collection method: clinical testing. Allele origin: germline.

GeneDx
Classification: Likely benign. Last evaluated: 2016-11-11. Review status: criteria provided, single submitter. Criteria: GeneDx Variant Classification (06012015). Collection method: clinical testing. Allele origin: germline. Affected: yes.
Comment: This variant is considered likely benign or benign based on one or more of the following criteria: it is a conservative change, it occurs at a poorly conserved position in the protein, it is predicted to be benign by multiple in silico algorithms, and/or has population frequency not consistent with disease.

Breakthrough Genomics
Classification: Likely benign. Review status: criteria provided, single submitter. Criteria: ACMG Guidelines, 2015. Collection method: not provided. Allele origin: germline. Inheritance: Autosomal recessive inheritance. Affected: yes.